The following is an entry in ClinVar:

ClinVar aggregate classification (germline): Conflicting classifications of pathogenicity. Review status: criteria provided, conflicting classifications (1 of 4 stars). 7 submissions from 7 submitters: Uncertain significance (6); Likely benign (1). Last evaluated 2025-11-05.

Conditions:
Hereditary cancer-predisposing syndrome. Also called: Hereditary neoplastic syndrome; Hereditary Cancer Syndrome; Neoplastic Syndromes, Hereditary; Tumor predisposition. Identifiers: Orphanet 140162, MedGen C0027672, MeSH D009386, MONDO:0015356.
Breast-ovarian cancer, familial, susceptibility to, 2 (BROVCA2). Also called: BRCA2 Hereditary Breast and Ovarian Cancer. Identifiers: Orphanet 145, MedGen C2675520, MONDO:0012933, OMIM 612555. Disease mechanism: loss of function.
Hereditary breast ovarian cancer syndrome. Also called: Hereditary breast and ovarian cancer syndrome; BRCA1- and BRCA2-Associated Hereditary Breast and Ovarian Cancer; Hereditary breast and/or ovarian cancer syndrome; Hereditary breast and ovarian cancer; Breast and ovarian cancer; Hereditary breast and ovarian cancer syndrome (HBOC). Identifiers: Orphanet 145, MedGen C0677776, MeSH D061325, MONDO:0003582. Disease mechanism: loss of function.

Submissions (7):

Labcorp Genetics (formerly Invitae), Labcorp
Classification: Uncertain significance for Hereditary breast ovarian cancer syndrome. Last evaluated: 2025-11-05. Review status: criteria provided, single submitter. Criteria: Invitae Variant Classification Sherloc (09022015). Collection method: clinical testing. Allele origin: germline.
Comment: This sequence change replaces valine, which is neutral and non-polar, with glycine, which is neutral and non-polar, at codon 2151 of the BRCA2 protein (p.Val2151Gly). This variant is not present in population databases (gnomAD no frequency). This variant has not been reported in the literature in individuals affected with BRCA2-related conditions. ClinVar contains an entry for this variant (Variation ID: 419242). Invitae Evidence Modeling of protein sequence and biophysical properties (such as structural, functional, and spatial information, amino acid conservation, physicochemical variation, residue mobility, and thermodynamic stability) indicates that this missense variant is not expected to disrupt BRCA2 protein function with a negative predictive value of 95%. In summary, the available evidence is currently insufficient to determine the role of this variant in disease. Therefore, it has been classified as a Variant of Uncertain Significance.

Ambry Genetics
Classification: Uncertain significance for Hereditary cancer-predisposing syndrome. Last evaluated: 2024-06-30. Review status: criteria provided, single submitter. Criteria: Ambry Variant Classification Scheme 2023. Collection method: clinical testing. Allele origin: germline.
Comment: The p.V2151G variant (also known as c.6452T>G), located in coding exon 10 of the BRCA2 gene, results from a T to G substitution at nucleotide position 6452. The valine at codon 2151 is replaced by glycine, an amino acid with dissimilar properties. This amino acid position is not well conserved in available vertebrate species. In addition, the in silico prediction for this alteration is inconclusive. Since supporting evidence is limited at this time, the clinical significance of this alteration remains unclear.

All of Us Research Program, National Institutes of Health
Classification: Uncertain significance for Breast-ovarian cancer, familial, susceptibility to, 2. Last evaluated: 2023-09-04. Review status: criteria provided, single submitter. Criteria: ACMG Guidelines, 2015. Collection method: clinical testing. Allele origin: germline. Inheritance: Autosomal dominant inheritance. Observed: 1 variant allele, 1 heterozygote.
Comment: This missense variant replaces valine with glycine at codon 2151 of the BRCA2 protein. Computational prediction is inconclusive regarding the impact of this variant on protein structure and function (internally defined REVEL score threshold 0.5 < inconclusive < 0.7, PMID: 27666373). To our knowledge, functional studies have not been reported for this variant. This variant has not been reported in individuals affected with BRCA2-related disorders in the literature. This variant has not been identified in the general population by the Genome Aggregation Database (gnomAD). The available evidence is insufficient to determine the role of this variant in disease conclusively. Therefore, this variant is classified as a Variant of Uncertain Significance.

This study involves interpretation of variants in research participants for the purpose of population health screening. Participant phenotype was not available at the time of variant classification. Additional details can be found in publication PMID: 35346344, PMCID: PMC8962531

Color Diagnostics, LLC DBA Color Health
Classification: Uncertain significance for Hereditary cancer-predisposing syndrome. Last evaluated: 2023-08-23. Review status: criteria provided, single submitter. Criteria: ACMG Guidelines, 2015. Collection method: clinical testing. Allele origin: germline.
Comment: This missense variant replaces valine with glycine at codon 2151 of the BRCA2 protein. Computational prediction is inconclusive regarding the impact of this variant on protein structure and function (internally defined REVEL score threshold 0.5 < inconclusive < 0.7, PMID: 27666373). To our knowledge, functional studies have not been reported for this variant. This variant has not been reported in individuals affected with BRCA2-related disorders in the literature. This variant has not been identified in the general population by the Genome Aggregation Database (gnomAD). The available evidence is insufficient to determine the role of this variant in disease conclusively. Therefore, this variant is classified as a Variant of Uncertain Significance.

University of Washington Department of Laboratory Medicine, University of Washington
Classification: Likely benign for Hereditary cancer-predisposing syndrome. Last evaluated: 2023-03-23. Review status: criteria provided, single submitter. Criteria: Dines et al. (Genet Med. 2020). Collection method: curation. Allele origin: germline.
Comment: Missense variant in a coldspot region where missense variants are very unlikely to be pathogenic (PMID:31911673).

BRCA2 exon 11 coldspot. Reclassification based on statistical prior probability.

Quest Diagnostics Nichols Institute San Juan Capistrano
Classification: Uncertain significance. Last evaluated: 2017-05-22. Review status: criteria provided, single submitter. Criteria: Quest Diagnostics criteria. Collection method: clinical testing. Allele origin: germline.

GeneDx
Classification: Uncertain significance. Last evaluated: 2015-06-11. Review status: criteria provided, single submitter. Criteria: GeneDx Variant Classification (06012015). Collection method: clinical testing. Allele origin: germline. Affected: yes.
Comment: This variant is denoted BRCA2 c.6452T>G at the cDNA level, p.Val2151Gly (V2151G) at the protein level, and results in the change of a Valine to a Glycine (GTT>GGT). Using alternate nomenclature, this variant would be defined as BRCA2 6680T>G. This variant has not, to our knowledge, been published in the literature as pathogenic or benign. BRCA2 Val2151Gly was not observed in approximately 6,500 individuals of European and African American ancestry in the NHLBI Exome Sequencing Project, indicating it is not a common benign variant in these populations. Since Valine and Glycine share similar properties, this is considered a conservative amino acid substitution. BRCA2 Val2151Gly occurs at a position that is not conserved and is not located in a known functional domain. In silico analyses are inconsistent regarding the effect this variant may have on protein structure and function. Based on currently available information, it is unclear whether BRCA2 Val2151Gly is pathogenic or benign. We consider it to be a variant of uncertain significance.

NM_000059.4(BRCA2):c.6452T>G (p.Val2151Gly)

Gene: BRCA2 (BRCA2 DNA repair associated; plus strand). Cytogenetic location: 13q13.1.
Variant type: single nucleotide variant.
Coding change: c.6452T>G on transcript NM_000059.4 (MANE Select); coding-DNA position 6452, T replaced by G.
Protein change: p.Val2151Gly; replaces valine 2151 with glycine.
Molecular consequence: missense variant.
Genome position (GRCh38, 1-based): chr13:32,340,807, T>G. VCF-style: chr13-32340807-T-G. GRCh37 (hg19) VCF-style: chr13-32914944-T-G.
Other names: short protein forms V2151G.
Identifiers: ClinVar variation 419242 (VCV000419242.17), dbSNP rs1064793743, ClinGen allele CA16619746.
Genomic context (GRCh38, chr13:32,340,807, plus strand): 5'-AATTATCAAATAACTTAAATGTTGAAGGTGGTTCTTCAGAAAATAATCACTCTATTAAAG[T>G]TTCTCCATATCTCTCTCAATTTCAACAAGACAAACAACAGTTGGTATTAGGAACCAAAGT-3'
Protein context (NP_000050.3, residues 2141-2161): GSSENNHSIK[Val2151Gly]SPYLSQFQQD